The following is an entry in ClinVar:

ClinVar aggregate classification (germline): Uncertain significance. Review status: criteria provided, multiple submitters, no conflicts (2 of 4 stars). 2 submissions from 2 submitters: Uncertain significance (2). Last evaluated 2021-10-28.

Submissions (2):

Blueprint Genetics
Classification: Uncertain significance. Last evaluated: 2021-10-28. Review status: criteria provided, single submitter. Criteria: ACMG Guidelines, 2015. Collection method: clinical testing. Allele origin: germline.

Labcorp Genetics (formerly Invitae), Labcorp
Classification: Uncertain significance. Last evaluated: 2021-07-12. Review status: criteria provided, single submitter. Criteria: Invitae Variant Classification Sherloc (09022015). Collection method: clinical testing. Allele origin: germline.
Comment: This sequence change creates a premature translational stop signal (p.Gln664*) in the IFT81 gene. While this is not anticipated to result in nonsense mediated decay, it is expected to disrupt the last 13 amino acid(s) of the IFT81 protein. This variant is not present in population databases (ExAC no frequency). This variant has not been reported in the literature in individuals affected with IFT81-related conditions. Experimental studies and prediction algorithms are not available or were not evaluated, and the functional significance of this variant is currently unknown. In summary, the available evidence is currently insufficient to determine the role of this variant in disease. Therefore, it has been classified as a Variant of Uncertain Significance.

NM_014055.4(IFT81):c.1990C>T (p.Gln664Ter)

Gene: IFT81 (intraflagellar transport 81; plus strand). Cytogenetic location: 12q24.11.
Variant type: single nucleotide variant.
Coding change: c.1990C>T on transcript NM_014055.4 (MANE Select); coding-DNA position 1990, C replaced by T.
Protein change: p.Gln664Ter; replaces glutamine 664 with a stop codon.
Molecular consequence: nonsense. On other transcripts: non-coding transcript variant (4).
Genome position (GRCh38, 1-based): chr12:110,218,185, C>T. VCF-style: chr12-110218185-C-T. GRCh37 (hg19) VCF-style: chr12-110655990-C-T.
Other names: c.1990C>T, p.Gln664Ter (NM_001143779.2); c.1060C>T, p.Gln354Ter (NM_001347947.2, NM_001347948.2); short protein forms Q354*, Q664*.
Identifiers: ClinVar variation 1489963 (VCV001489963.7), dbSNP rs2137628263, ClinGen allele CA386911215.